The following is an entry in ClinVar:

ClinVar aggregate classification (germline): Benign. Review status: criteria provided, single submitter (1 of 4 stars). 2 submissions from 2 submitters: Benign (1). 1 of the submissions does not count toward it. Last evaluated 2019-12-31.

Conditions:
HIP1-related disorder. Also called: HIP1-related condition.

Allele frequency attached by ClinVar (database versions not stated): gnomAD exomes 0.00177; ExAC 0.00245; gnomAD 0.00641 and 0.00666; TOPMed 0.00647; ESP Exome Variant Server 0.00838; 1000 Genomes Project 0.01258; 1000 Genomes Project 30x 0.01296.
gnomAD v4.1: 1,976 of 1,612,558 alleles (0.12%); highest among the groups gnomAD compares: African/African-American, 2.2%; 20 homozygotes.

Submissions (2):

Labcorp Genetics (formerly Invitae), Labcorp
Classification: Benign. Last evaluated: 2019-12-31. Review status: criteria provided, single submitter. Criteria: Invitae Variant Classification Sherloc (09022015). Collection method: clinical testing. Allele origin: germline.

PreventionGenetics, part of Exact Sciences
Classification: Benign for HIP1-related condition. Last evaluated: 2019-03-26. Review status: no assertion criteria provided. Collection method: clinical testing. Allele origin: germline. Not counted in ClinVar's aggregate classification.
Comment: This variant is classified as benign based on ACMG/AMP sequence variant interpretation guidelines (Richards et al. 2015 PMID: 25741868, with internal and published modifications).

NM_005338.7(HIP1):c.1459C>A (p.Arg487=)

Gene: HIP1 (huntingtin interacting protein 1; minus strand). Cytogenetic location: 7q11.23.
Variant type: single nucleotide variant.
Coding change: c.1459C>A on transcript NM_005338.7 (MANE Select); coding-DNA position 1459, C replaced by A.
Protein change: p.Arg487=; no amino-acid change (arginine 487 retained).
Molecular consequence: synonymous variant.
Genome position (GRCh38, 1-based): chr7:75,558,172, G>T on the plus strand (C>A on the coding strand, the complement: HIP1 is on the minus strand). VCF-style: chr7-75558172-G-T. GRCh37 (hg19) VCF-style: chr7-75187476-G-T.
Other names: c.1459C>A, p.Arg487= (NM_001243198.3).
Identifiers: ClinVar variation 773742 (VCV000773742.6), dbSNP rs140984634, ClinGen allele CA4302296.